The following is an entry in ClinVar:

ClinVar aggregate classification (germline): Uncertain significance (0 of 4 stars; one submission).

Conditions:
Obesity due to prohormone convertase I deficiency. Also called: OBESITY AND ENDOCRINOPATHY DUE TO IMPAIRED PROCESSING OF PROHORMONES. Identifiers: Orphanet 71528, MedGen C1833053, MONDO:0010961, OMIM 600955.
PCSK1-related disorder. Also called: PCSK1-related condition.

gnomAD v4.1: 29 of 1,574,566 alleles (0.0018%); highest among the groups gnomAD compares: African/African-American, 0.0028%; no homozygotes.

Submission:

PreventionGenetics, part of Exact Sciences
Classification: Uncertain significance for PCSK1-related condition. Last evaluated: 2024-03-22. Review status: no assertion criteria provided. Collection method: clinical testing. Allele origin: germline.
Comment: The PCSK1 c.596G>A variant is predicted to result in the amino acid substitution p.Arg199Gln. This variant was observed in a cohort of individuals with obesity, and in vitro functional studies showed function similar to wild-type levels (Supplemental Data Set, Shah et al. 2023. PubMed ID: 36864747). This variant is reported in 0.0062% of alleles in individuals of African descent in gnomAD. At this time, the clinical significance of this variant is uncertain due to the absence of conclusive functional and genetic evidence.

NM_000439.5(PCSK1):c.596G>A (p.Arg199Gln)

Genes: CAST (calpastatin; plus strand), PCSK1 (proprotein convertase subtilisin/kexin type 1; minus strand), LOC101929710 (uncharacterized LOC101929710; plus strand). Cytogenetic location: 5q15.
Variant type: single nucleotide variant.
Coding change: c.596G>A on transcript NM_000439.5 (MANE Select); coding-DNA position 596, G replaced by A.
Protein change: p.Arg199Gln; replaces arginine 199 with glutamine.
Molecular consequence: missense variant. On other transcripts: intron variant (11).
Genome position (GRCh38, 1-based): chr5:96,421,904, C>T on the plus strand (G>A on the coding strand, the complement: PCSK1 is on the minus strand). VCF-style: chr5-96421904-C-T. GRCh37 (hg19) VCF-style: chr5-95757608-C-T.
Other names: c.455G>A, p.Arg152Gln (NM_001177875.2); c.-175+42252C>T (NM_001423254.1, NM_001423259.1, NM_001423255.1 and 6 more transcripts); c.-103+42252C>T (NM_001423253.1); c.-40+42252C>T (NM_001423258.1); short protein forms R152Q, R199Q.
Identifiers: ClinVar variation 3358061 (VCV003358061.1).